The following is an entry in ClinVar:

NM_000153.4(GALC):c.645del (p.Gln216fs)

Gene: GALC (galactosylceramidase; minus strand). Cytogenetic location: 14q31.3.
Variant type: Deletion.
Coding change: c.645del on transcript NM_000153.4 (MANE Select); coding-DNA position 645, one base deleted (T; older notation c.645delT).
Protein change: p.Gln216fs; shifts the reading frame from glutamine 216.
Molecular consequence: frameshift variant.
Genome position (GRCh38, 1-based): chr14:87,976,465, A deleted on the plus strand (T on the coding strand, the reverse complement: GALC is on the minus strand). VCF-style (leftmost placement, unchanged base first): chr14-87976464-GA-G. GRCh37 (hg19) VCF-style: chr14-88442808-GA-G.
Other names: c.576del, p.Gln193fs (NM_001201401.2); c.567del, p.Gln190fs (NM_001201402.2); short protein forms Q216fs, Q190fs, Q193fs.
Identifiers: ClinVar variation 2127242 (VCV002127242.4), dbSNP rs2503477376, ClinGen allele CA2580088853.

ClinVar aggregate classification (germline): Pathogenic (1 of 4 stars; one submission).

Conditions:
Galactosylceramide beta-galactosidase deficiency. Also called: Leukodystrophy, Globoid Cell; Krabbe Disease; GALACTOCEREBROSIDASE DEFICIENCY; GALC DEFICIENCY; GLOBOID CELL LEUKOENCEPHALOPATHY. Identifiers: Orphanet 487, MedGen C0023521, MONDO:0009499, OMIM 245200.

Submission:

Labcorp Genetics (formerly Invitae), Labcorp
Classification: Pathogenic for Galactosylceramide beta-galactosidase deficiency. Last evaluated: 2022-05-13. Review status: criteria provided, single submitter. Criteria: Invitae Variant Classification Sherloc (09022015). Collection method: clinical testing. Allele origin: germline.
Comment: For these reasons, this variant has been classified as Pathogenic. This variant has not been reported in the literature in individuals affected with GALC-related conditions. This variant is not present in population databases (gnomAD no frequency). This sequence change creates a premature translational stop signal (p.Gln216Lysfs*6) in the GALC gene. It is expected to result in an absent or disrupted protein product. Loss-of-function variants in GALC are known to be pathogenic (PMID: 7437911, 9272171, 16607461).

Literature cited by the submitters: PubMed 7437911; PubMed 9272171; PubMed 16607461.